The following is an entry in ClinVar:

NM_001040142.2(SCN2A):c.2746A>C (p.Asn916His)

Gene: SCN2A (sodium voltage-gated channel alpha subunit 2; plus strand). Cytogenetic location: 2q24.3.
Variant type: single nucleotide variant.
Coding change: c.2746A>C on transcript NM_001040142.2 (MANE Select); coding-DNA position 2746, A replaced by C.
Protein change: p.Asn916His; replaces asparagine 916 with histidine.
Molecular consequence: missense variant.
Genome position (GRCh38, 1-based): chr2:165,344,738, A>C. VCF-style: chr2-165344738-A-C. GRCh37 (hg19) VCF-style: chr2-166201248-A-C.
Other names: c.2746A>C, p.Asn916His (NM_001040143.2, NM_001371246.1, NM_001371247.1 and 1 more transcripts); short protein forms N916H.
Identifiers: ClinVar variation 2943008 (VCV002943008.3), dbSNP rs2468007932, ClinGen allele CA349015125.

ClinVar aggregate classification (germline): Uncertain significance (1 of 4 stars; one submission).

Conditions:
Seizures, benign familial infantile, 3 (BFIS3). Also called: CONVULSIONS, BENIGN FAMILIAL INFANTILE, 3; Familial neonatal seizures. Identifiers: Orphanet 140927, Orphanet 306, MedGen C1843140, MONDO:0011904, OMIM 607745.
Developmental and epileptic encephalopathy, 11 (DEE11). Also called: Early infantile epileptic encephalopathy 11. Identifiers: Orphanet 1934, MedGen C3150987, MONDO:0013388, OMIM 613721.

gnomAD v4.1: 3 of 1,614,140 alleles (0.00019%); highest among the groups gnomAD compares: South Asian, 0.0022%; no homozygotes.

Submission:

Labcorp Genetics (formerly Invitae), Labcorp
Classification: Uncertain significance for Seizures, benign familial infantile, 3; Developmental and epileptic encephalopathy, 11. Last evaluated: 2023-07-07. Review status: criteria provided, single submitter. Criteria: Invitae Variant Classification Sherloc (09022015). Collection method: clinical testing. Allele origin: germline.
Comment: This sequence change replaces asparagine, which is neutral and polar, with histidine, which is basic and polar, at codon 916 of the SCN2A protein (p.Asn916His). This variant is not present in population databases (gnomAD no frequency). This variant has not been reported in the literature in individuals affected with SCN2A-related conditions. Advanced modeling of protein sequence and biophysical properties (such as structural, functional, and spatial information, amino acid conservation, physicochemical variation, residue mobility, and thermodynamic stability) performed at Invitae indicates that this missense variant is not expected to disrupt SCN2A protein function. In summary, the available evidence is currently insufficient to determine the role of this variant in disease. Therefore, it has been classified as a Variant of Uncertain Significance.